The following is an entry in ClinVar:

ClinVar aggregate classification (germline): Uncertain significance (1 of 4 stars; one submission).

Submission:

Labcorp Genetics (formerly Invitae), Labcorp
Classification: Uncertain significance. Last evaluated: 2024-05-24. Review status: criteria provided, single submitter. Criteria: Invitae Variant Classification Sherloc (09022015). Collection method: clinical testing. Allele origin: germline.
Comment: This sequence change replaces valine, which is neutral and non-polar, with phenylalanine, which is neutral and non-polar, at codon 1021 of the CNOT1 protein (p.Val1021Phe). This variant is not present in population databases (gnomAD no frequency). This variant has not been reported in the literature in individuals affected with CNOT1-related conditions. An algorithm developed to predict the effect of missense changes on protein structure and function (PolyPhen-2) suggests that this variant is likely to be tolerated. In summary, the available evidence is currently insufficient to determine the role of this variant in disease. Therefore, it has been classified as a Variant of Uncertain Significance.

NM_016284.5(CNOT1):c.3076G>T (p.Val1026Phe)

Gene: CNOT1 (CCR4-NOT transcription complex subunit 1; minus strand). Cytogenetic location: 16q21.
Variant type: single nucleotide variant.
Coding change: c.3076G>T on transcript NM_016284.5 (MANE Select); coding-DNA position 3076, G replaced by T.
Protein change: p.Val1026Phe; replaces valine 1026 with phenylalanine.
Molecular consequence: missense variant. On other transcripts: non-coding transcript variant (1).
Genome position (GRCh38, 1-based): chr16:58,551,714, C>A on the plus strand (G>T on the coding strand, the complement: CNOT1 is on the minus strand). VCF-style: chr16-58551714-C-A. GRCh37 (hg19) VCF-style: chr16-58585618-C-A.
Other names: c.3061G>T, p.Val1021Phe (NM_001265612.2); c.3076G>T, p.Val1026Phe (NM_206999.3); short protein forms V1021F, V1026F.
Identifiers: ClinVar variation 3677455 (VCV003677455.2).
Genomic context (GRCh38, chr16:58,551,714, plus strand): 5'-TAGTTGTTGAGGTGGTTACCATAGTGCTAACTTGACCAGCAAGAGGAGCTTTTGCTGGAA[C>A]CTGGGCCTGAGCCTGGGCCTGAGCCAGTGCAATACTTCCAGGGGTTGTGATAGAGCCTTG-3'
Protein context (NP_057368.3, residues 1016-1036): ALAQAQAQAQ[Val1026Phe]PAKAPLAGQV